The following is an entry in ClinVar:

ClinVar aggregate classification (germline): Likely benign (1 of 4 stars; one submission).

Submission:

CeGaT Center for Human Genetics Tuebingen
Classification: Likely benign. Last evaluated: 2026-01-01. Review status: criteria provided, single submitter. Criteria: CeGaT Center For Human Genetics Tuebingen Variant Classification Criteria Version 2. Collection method: clinical testing. Allele origin: germline. Affected: yes. Observed: 1 variant allele.
Comment: TRIM28: BP4, BP7

NM_005762.3(TRIM28):c.2154C>T (p.Arg718=)

Gene: TRIM28 (tripartite motif containing 28; plus strand). Cytogenetic location: 19q13.43.
Variant type: single nucleotide variant.
Coding change: c.2154C>T on transcript NM_005762.3 (MANE Select); coding-DNA position 2154, C replaced by T.
Protein change: p.Arg718=; no amino-acid change (arginine 718 retained).
Molecular consequence: synonymous variant.
Genome position (GRCh38, 1-based): chr19:58,549,996, C>T. VCF-style: chr19-58549996-C-T. GRCh37 (hg19) VCF-style: chr19-59061363-C-T.
Identifiers: ClinVar variation 4822466 (VCV004822466.4).